The following is an entry in ClinVar:

NM_015346.4(ZFYVE26):c.1130G>A (p.Cys377Tyr)

Gene: ZFYVE26 (zinc finger FYVE-type containing 26; minus strand). Cytogenetic location: 14q24.1.
Variant type: single nucleotide variant.
Coding change: c.1130G>A on transcript NM_015346.4 (MANE Select); coding-DNA position 1130, G replaced by A.
Protein change: p.Cys377Tyr; replaces cysteine 377 with tyrosine.
Molecular consequence: missense variant.
Genome position (GRCh38, 1-based): chr14:67,805,506, C>T on the plus strand (G>A on the coding strand, the complement: ZFYVE26 is on the minus strand). VCF-style: chr14-67805506-C-T. GRCh37 (hg19) VCF-style: chr14-68272223-C-T.
Other names: c.1130G>A (NM_015346.3); short protein forms C377Y.
Identifiers: ClinVar variation 2045256 (VCV002045256.5), dbSNP rs1003221368, ClinGen allele CA262873793.

ClinVar aggregate classification (germline): Uncertain significance. Review status: criteria provided, multiple submitters, no conflicts (2 of 4 stars). 2 submissions from 2 submitters: Uncertain significance (2). Last evaluated 2024-11-11.

Conditions:
Inborn genetic diseases. Identifiers: MedGen C0950123, MeSH D030342.
Spastic paraplegia. Identifiers: MedGen C0037772, HP:0001258.

gnomAD v4.1: 2 of 1,614,064 alleles (0.00012%); highest among the groups gnomAD compares: African/African-American, 0.0013%; no homozygotes.

Submissions (2):

Ambry Genetics
Classification: Uncertain significance for Inborn genetic diseases. Last evaluated: 2024-11-11. Review status: criteria provided, single submitter. Criteria: Ambry Variant Classification Scheme 2023. Collection method: clinical testing. Allele origin: germline.

Labcorp Genetics (formerly Invitae), Labcorp
Classification: Uncertain significance for Spastic paraplegia. Last evaluated: 2022-07-28. Review status: criteria provided, single submitter. Criteria: Invitae Variant Classification Sherloc (09022015). Collection method: clinical testing. Allele origin: germline.
Comment: This sequence change replaces cysteine, which is neutral and slightly polar, with tyrosine, which is neutral and polar, at codon 377 of the ZFYVE26 protein (p.Cys377Tyr). This variant is not present in population databases (gnomAD no frequency). This variant has not been reported in the literature in individuals affected with ZFYVE26-related conditions. Algorithms developed to predict the effect of missense changes on protein structure and function are either unavailable or do not agree on the potential impact of this missense change (SIFT: "Deleterious"; PolyPhen-2: "Probably Damaging"; Align-GVGD: "Class C0"). In summary, the available evidence is currently insufficient to determine the role of this variant in disease. Therefore, it has been classified as a Variant of Uncertain Significance.